The following is an entry in ClinVar:

ClinVar aggregate classification (germline): Likely benign (0 of 4 stars; one submission).

Conditions:
VPS13B-related disorder. Also called: VPS13B-related condition.

Allele frequency attached by ClinVar (database versions not stated): gnomAD exomes below 0.00001.
gnomAD v4.1: 2 of 1,613,042 alleles (0.00012%); highest among the groups gnomAD compares: Non-Finnish European, 0.00017%; no homozygotes.

Submission:

PreventionGenetics, part of Exact Sciences
Classification: Likely benign for VPS13B-related condition. Last evaluated: 2024-01-09. Review status: no assertion criteria provided. Collection method: clinical testing. Allele origin: germline.
Comment: This variant is classified as likely benign based on ACMG/AMP sequence variant interpretation guidelines (Richards et al. 2015 PMID: 25741868, with internal and published modifications).

NM_152564.5(VPS13B):c.2274A>G (p.Pro758=)

Gene: VPS13B (vacuolar protein sorting 13 homolog B; plus strand). Cytogenetic location: 8q22.2.
Variant type: single nucleotide variant.
Coding change: c.2274A>G on transcript NM_152564.5 (MANE Select); coding-DNA position 2274, A replaced by G.
Protein change: p.Pro758=; no amino-acid change (proline 758 retained).
Molecular consequence: synonymous variant.
Genome position (GRCh38, 1-based): chr8:99,170,104, A>G. VCF-style: chr8-99170104-A-G. GRCh37 (hg19) VCF-style: chr8-100182332-A-G.
Other names: c.2274A>G, p.Pro758= (NM_015243.3, NM_017890.5).
Identifiers: ClinVar variation 3059109 (VCV003059109.2), dbSNP rs2488877635, ClinGen allele CA462424694.